The following is an entry in ClinVar:

NM_021930.6(RINT1):c.1580A>G (p.Glu527Gly)

Gene: RINT1 (RAD50 interactor 1; plus strand). Cytogenetic location: 7q22.3.
Variant type: single nucleotide variant.
Coding change: c.1580A>G on transcript NM_021930.6 (MANE Select); coding-DNA position 1580, A replaced by G.
Protein change: p.Glu527Gly; replaces glutamic acid 527 with glycine.
Molecular consequence: missense variant.
Genome position (GRCh38, 1-based): chr7:105,555,136, A>G. VCF-style: chr7-105555136-A-G. GRCh37 (hg19) VCF-style: chr7-105195583-A-G.
Other names: c.1346A>G, p.Glu449Gly (NM_001346599.2); c.557A>G, p.Glu186Gly (NM_001346600.2, NM_001346603.2); c.656A>G, p.Glu219Gly (NM_001346601.2); short protein forms E449G, E219G, E527G, E186G.
Identifiers: ClinVar variation 3314448 (VCV003314448.1).

ClinVar aggregate classification (germline): Uncertain significance (1 of 4 stars; one submission).

Submission:

Ambry Genetics
Classification: Uncertain significance. Last evaluated: 2024-04-09. Review status: criteria provided, single submitter. Criteria: Ambry Variant Classification Scheme 2023. Collection method: clinical testing. Allele origin: germline.
Comment: The p.E527G variant (also known as c.1580A>G), located in coding exon 11 of the RINT1 gene, results from an A to G substitution at nucleotide position 1580. The glutamic acid at codon 527 is replaced by glycine, an amino acid with similar properties. This amino acid position is conserved. In addition, the in silico prediction for this alteration is inconclusive. Based on the available evidence, the clinical significance of this variant remains unclear.